The following is an entry in ClinVar:

ClinVar aggregate classification (germline): Uncertain significance (1 of 4 stars; one submission).

Conditions:
Axenfeld-Rieger syndrome type 3 (RIEG3). Also called: AXENFELD-RIEGER ANOMALY WITH CARDIAC DEFECTS AND/OR SENSORINEURAL HEARING LOSS. Identifiers: Orphanet 782, MedGen C2678503, MONDO:0011233, OMIM 602482.

gnomAD v4.1: 3 of 1,448,602 alleles (0.00021%); highest among the groups gnomAD compares: South Asian, 0.0013%; no homozygotes.

Submission:

Labcorp Genetics (formerly Invitae), Labcorp
Classification: Uncertain significance for Axenfeld-Rieger syndrome type 3. Last evaluated: 2024-12-13. Review status: criteria provided, single submitter. Criteria: Invitae Variant Classification Sherloc (09022015). Collection method: clinical testing. Allele origin: germline.
Comment: This sequence change replaces serine, which is neutral and polar, with leucine, which is neutral and non-polar, at codon 320 of the FOXC1 protein (p.Ser320Leu). This variant is not present in population databases (gnomAD no frequency). This variant has not been reported in the literature in individuals affected with FOXC1-related conditions. An algorithm developed to predict the effect of missense changes on protein structure and function (PolyPhen-2) suggests that this variant is likely to be disruptive. In summary, the available evidence is currently insufficient to determine the role of this variant in disease. Therefore, it has been classified as a Variant of Uncertain Significance.

NM_001453.3(FOXC1):c.959C>T (p.Ser320Leu)

Gene: FOXC1 (forkhead box C1; plus strand). Cytogenetic location: 6p25.3.
Variant type: single nucleotide variant.
Coding change: c.959C>T on transcript NM_001453.3 (MANE Select); coding-DNA position 959, C replaced by T.
Protein change: p.Ser320Leu; replaces serine 320 with leucine.
Molecular consequence: missense variant.
Genome position (GRCh38, 1-based): chr6:1,611,404, C>T. VCF-style: chr6-1611404-C-T. GRCh37 (hg19) VCF-style: chr6-1611639-C-T.
Other names: short protein forms S320L.
Identifiers: ClinVar variation 3703943 (VCV003703943.2).
Genomic context (GRCh38, chr6:1,611,404, plus strand): 5'-CGCCGCCGCACCATAGCCAGGGCTTCAGCGTGGACAACATCATGACGTCGCTGCGGGGGT[C>T]GCCGCAGAGCGCGGCCGCGGAGCTCAGCTCCGGCCTTCTGGCCTCGGCGGCCGCGTCCTC-3'
Protein context (NP_001444.2, residues 310-330): VDNIMTSLRG[Ser320Leu]PQSAAAELSS